The following is an entry in ClinVar:

ClinVar aggregate classification (germline): Likely benign (1 of 4 stars; one submission).

Allele frequency attached by ClinVar (database versions not stated): gnomAD exomes 0.00112; gnomAD 0.00922; 1000 Genomes Project 0.01138; 1000 Genomes Project 30x 0.01265.

Submission:

GeneDx
Classification: Likely benign. Last evaluated: 2019-02-28. Review status: criteria provided, single submitter. Criteria: GeneDx Variant Classification Process June 2021. Collection method: clinical testing. Allele origin: germline. Affected: yes.
Comment: See Variant Classification Assertion Criteria.

NM_001164405.2(BHLHA9):c.*241G>T

Gene: BHLHA9 (basic helix-loop-helix family member a9; plus strand). Cytogenetic location: 17p13.3.
Variant type: single nucleotide variant.
Coding change: c.*241G>T on transcript NM_001164405.2 (MANE Select); 241 bases downstream of the stop codon, G replaced by T.
Molecular consequence: 3 prime UTR variant.
Genome position (GRCh38, 1-based): chr17:1,271,512, G>T. VCF-style: chr17-1271512-G-T. GRCh37 (hg19) VCF-style: chr17-1174806-G-T.
Identifiers: ClinVar variation 1707218 (VCV001707218.2), dbSNP rs8071123, ClinGen allele CA286779288.